The following is an entry in ClinVar:

ClinVar aggregate classification (germline): Uncertain significance (1 of 4 stars; one submission).

Conditions:
Combined oxidative phosphorylation defect type 13. Also called: Combined oxidative phosphorylation deficiency 13. Identifiers: Orphanet 319514, MedGen C4706283, MONDO:0013977, OMIM 614932.

gnomAD v4.1: 5 of 1,605,036 alleles (0.00031%); highest among the groups gnomAD compares: Non-Finnish European, 0.00043%; no homozygotes.

Submission:

Broad Center for Mendelian Genomics, Broad Institute of MIT and Harvard
Classification: Uncertain significance for Combined oxidative phosphorylation defect type 13. Last evaluated: 2024-11-22. Review status: criteria provided, single submitter. Criteria: ACMG Guidelines, 2015. Collection method: curation. Allele origin: germline. Inheritance: Autosomal recessive inheritance. Study: GREGoR Consortium.
Comment: The phase of these variants are unknown at this time. The p.Val500Ile variant in PNPT1 has not been previously reported in the literature in individuals with combined oxidative phosphorylation defect type 13, but has been identified in 0.00045% (5/1174864) of European (non-Finnish) chromosomes by the Genome Aggregation Database (gnomAD). Although this variant has been seen in the general population in a heterozygous state, its frequency is low enough to be consistent with a recessive carrier frequency. Computational prediction tools, including splice predictors and conservation analyses suggest that this variant may not impact the protein, though this information is not predictive enough to rule out pathogenicity. In summary, the clinical significance of the p.Val500Ile variant is uncertain. ACMG/AMP Criteria applied: BP4, PM2_supporting (Richards 2015).

NM_033109.5(PNPT1):c.1498G>A (p.Val500Ile)

Gene: PNPT1 (polyribonucleotide nucleotidyltransferase 1; minus strand). Cytogenetic location: 2p16.1.
Variant type: single nucleotide variant.
Coding change: c.1498G>A on transcript NM_033109.5 (MANE Select); coding-DNA position 1498, G replaced by A.
Protein change: p.Val500Ile; replaces valine 500 with isoleucine.
Molecular consequence: missense variant.
Genome position (GRCh38, 1-based): chr2:55,647,451, C>T on the plus strand (G>A on the coding strand, the complement: PNPT1 is on the minus strand). VCF-style: chr2-55647451-C-T. GRCh37 (hg19) VCF-style: chr2-55874586-C-T.
Other names: NM_033109.5:c.1498G>A; short protein forms V500I.
Identifiers: ClinVar variation 3383283 (VCV003383283.1).